The following is an entry in ClinVar:

ClinVar aggregate classification (germline): Pathogenic. Review status: reviewed by expert panel (3 of 4 stars). 24 submissions from 24 submitters: Pathogenic (1). 23 of the submissions do not count toward it. Last evaluated 2016-04-22.

Conditions:
BRCA2-related cancer predisposition. Identifiers: MedGen CN377758, MONDO:0700269.
Fanconi anemia complementation group D1. Also called: BRCA2-Related Fanconi Anemia. Identifiers: Orphanet 319462, MedGen C1838457, MONDO:0011584, OMIM 605724.
Familial cancer of breast. Also called: BREAST CANCER, FAMILIAL; Hereditary breast cancer; hereditary breast carcinoma. Identifiers: Orphanet 227535, MedGen C0346153, MONDO:0016419, OMIM 114480. Disease mechanism: loss of function.
Glioma susceptibility 3 (GLM3). Also called: Glioblastoma 3. Identifiers: Orphanet 182067, Orphanet 360, MedGen C2751641, MONDO:0013093, OMIM 613029.
Pancreatic cancer, susceptibility to, 2. Identifiers: Orphanet 1333, MedGen C3150546, MONDO:0013235, OMIM 613347.
Wilms tumor 1 (WT1). Also called: Wilms tumor, somatic. Identifiers: Orphanet 654, MedGen CN033288, MONDO:0008679, OMIM 194070.
Prostate cancer. Also called: Malignant tumor of prostate. Identifiers: Orphanet 1331, MedGen C0376358, MONDO:0008315, HP:0012125.
Medulloblastoma (MDB). Also called: MEDULLOBLASTOMA PREDISPOSITION SYNDROME; Medulloblastoma, somatic. Identifiers: Orphanet 616, MedGen C0025149, MeSH D008527, MONDO:0007959, OMIM 155255, HP:0002885.
Breast-ovarian cancer, familial, susceptibility to, 2 (BROVCA2). Also called: BRCA2 Hereditary Breast and Ovarian Cancer. Identifiers: Orphanet 145, MedGen C2675520, MONDO:0012933, OMIM 612555. Disease mechanism: loss of function.
Hereditary cancer-predisposing syndrome. Also called: Neoplastic Syndromes, Hereditary; Tumor predisposition; Hereditary Cancer Syndrome; Hereditary neoplastic syndrome. Identifiers: Orphanet 140162, MedGen C0027672, MeSH D009386, MONDO:0015356.
Hereditary breast ovarian cancer syndrome. Also called: Hereditary breast and ovarian cancer; Breast and ovarian cancer; Hereditary breast and/or ovarian cancer syndrome; Hereditary breast and ovarian cancer syndrome (HBOC); Hereditary breast and ovarian cancer syndrome; BRCA1- and BRCA2-Associated Hereditary Breast and Ovarian Cancer. Identifiers: Orphanet 145, MedGen C0677776, MeSH D061325, MONDO:0003582. Disease mechanism: loss of function.
Breast-ovarian cancer, familial, susceptibility to, 1 (BROVCA1). Also called: OVARIAN CANCER, SUSCEPTIBILITY TO; BRCA1 Hereditary Breast and Ovarian Cancer. Identifiers: Orphanet 145, MedGen C2676676, MONDO:0011450, OMIM 604370. Disease mechanism: loss of function.

Submissions 1 to 8 of 24:

Evidence-based Network for the Interpretation of Germline Mutant Alleles (ENIGMA)
Classification: Pathogenic for Breast-ovarian cancer, familial, susceptibility to, 2. Last evaluated: 2016-04-22. Review status: reviewed by expert panel. Criteria: ENIGMA BRCA1/2 Classification Criteria (2015). Collection method: curation. Allele origin: germline.
Comment: Variant allele predicted to encode a truncated non-functional protein.

Labcorp Genetics (formerly Invitae), Labcorp
Classification: Pathogenic for Hereditary breast ovarian cancer syndrome. Last evaluated: 2025-09-16. Review status: criteria provided, single submitter. Criteria: Invitae Variant Classification Sherloc (09022015). Collection method: clinical testing. Allele origin: germline. Not counted in ClinVar's aggregate classification.
Comment: This sequence change creates a premature translational stop signal (p.Ser1248Argfs*10) in the BRCA2 gene. It is expected to result in an absent or disrupted protein product. Loss-of-function variants in BRCA2 are known to be pathogenic (PMID: 20104584). This variant is present in population databases (rs80359403, gnomAD 0.006%). This premature translational stop signal has been observed in individual(s) with breast/ovarian cancer (PMID: 11802209, 16455195, 18489799, 19656164, 26187060). This variant is also known as 3972del4. ClinVar contains an entry for this variant (Variation ID: 37856). For these reasons, this variant has been classified as Pathogenic.

GeneKor MSA
Classification: Pathogenic for Hereditary breast ovarian cancer syndrome. Last evaluated: 2025-06-25. Review status: criteria provided, single submitter. Criteria: ACMG Guidelines, 2015. Collection method: clinical testing. Allele origin: germline. Affected: yes. Not counted in ClinVar's aggregate classification.
Comment: This is a 4-nucleotide deletion in exon 11 of the BRCA2 mRNA c.(3744_3747del) causing a frameshift after codon 1248 and the creation of a premature translation stop signal 10 amino acid residues later - p.(Ser1248Argfs*10). This is expected to result in an absent or disrupted protein product. Truncating variants in BRCA2 are known to be pathogenic (PMID:20104584). This alteration is present in population databases (rs80359403) and is also reported as 3972_3975delTGAG or 3972del4in the literature. This variant has been described in the international literature in individuals with breast, ovarian and prostate cancer (PMID:11802209, 16455195, 18489799, 19656164, 22798144, 25863477, 26187060, 26306726, 28049253, 28205045, 28724667). The mutation database Clinvar contains entries for this variant where it is listed as pathogenic (VCV000037856.77). Based on the classification criteria set by the ACMG and AMP (PMID:25741868) this variant has been classified as pathogenic.

Ambry Genetics
Classification: Pathogenic for Hereditary cancer-predisposing syndrome. Last evaluated: 2025-02-20. Review status: criteria provided, single submitter. Criteria: Ambry Variant Classification Scheme 2023. Collection method: clinical testing. Allele origin: germline. Not counted in ClinVar's aggregate classification.
Comment: The c.3744_3747delTGAG pathogenic mutation, located in coding exon 10 of the BRCA2 gene, results from a deletion of 4 nucleotides at nucleotide positions 3744 to 3747, causing a translational frameshift with a predicted alternate stop codon (p.S1248Rfs*10). This alteration has been reported in multiple breast and/or ovarian cancer families (Foretova L et al. Hum. Mutat. 2004 Apr;23:397-8; Li WF et al. Breast Cancer Res. Treat. 2008 Jul;110:99-109; Jang JH et al. J. Hum. Genet. 2012 Mar;57:212-5; Song WH et al. J. Korean Med. Sci. 2017 Feb;32:377-381; Park B et al. Breast Cancer Res. Treat. 2017 May;163:139-150; Concolino P et al. Int J Mol Sci, 2019 Jul;20:; Bang YJ et al. Cancer Res Treat, 2021 Oct;:). Of note, this alteration is also designated as 3972_3975delTGAG and 3972del4 in published literature. In addition to the clinical data presented in the literature, this alteration is expected to result in loss of function by premature protein truncation or nonsense-mediated mRNA decay. As such, this alteration is interpreted as a disease-causing mutation.

All of Us Research Program, National Institutes of Health
Classification: Pathogenic for BRCA2-related cancer predisposition. Last evaluated: 2024-08-30. Review status: criteria provided, single submitter. Criteria: ACMG Guidelines, 2015. Collection method: clinical testing. Allele origin: germline. Inheritance: Autosomal dominant inheritance. Observed: 2 variant alleles, 2 heterozygotes. Not counted in ClinVar's aggregate classification.
Comment: This variant deletes 4 nucleotides in exon 11 of the BRCA2 gene, creating a frameshift and premature translation stop signal. This variant is expected to result in an absent or non-functional protein product. This variant has been observed in over twenty individuals affected with breast cancer and is known to be a recurrent disease-causing mutation in the Korean population (PMID: 25863477, 26187060, 28205045, 34063308). This variant has been identified in 1/246600 chromosomes in the general population by the Genome Aggregation Database (gnomAD). Loss of BRCA2 function is a known mechanism of disease. Based on the available evidence, this variant is classified as Pathogenic.

This study involves interpretation of variants in research participants for the purpose of population health screening. Participant phenotype was not available at the time of variant classification. Additional details can be found in publication PMID: 35346344, PMCID: PMC8962531

Color Diagnostics, LLC DBA Color Health
Classification: Pathogenic for Hereditary cancer-predisposing syndrome. Last evaluated: 2024-05-08. Review status: criteria provided, single submitter. Criteria: ACMG Guidelines, 2015. Collection method: clinical testing. Allele origin: germline. Not counted in ClinVar's aggregate classification.
Comment: This variant deletes 4 nucleotides in exon 11 of the BRCA2 gene, creating a frameshift and premature translation stop signal. This variant is expected to result in an absent or non-functional protein product. This variant has been observed in over twenty individuals affected with breast cancer and is known to be a recurrent disease-causing mutation in the Korean population (PMID: 25863477, 26187060, 28205045, 34063308). This variant has been identified in 1/246600 chromosomes in the general population by the Genome Aggregation Database (gnomAD). Loss of BRCA2 function is a known mechanism of disease. Based on the available evidence, this variant is classified as Pathogenic.

Revvity Omics, Revvity
Classification: Pathogenic. Last evaluated: 2024-03-01. Review status: criteria provided, single submitter. Criteria: ACMG Guidelines, 2015. Collection method: clinical testing. Allele origin: germline. Not counted in ClinVar's aggregate classification.

Baylor Genetics
Classification: Pathogenic for Familial cancer of breast. Last evaluated: 2023-09-09. Review status: criteria provided, single submitter. Criteria: ACMG Guidelines, 2015. Collection method: clinical testing. Allele origin: unknown. Not counted in ClinVar's aggregate classification.

NM_000059.4(BRCA2):c.3744_3747del (p.Ser1248fs)

Gene: BRCA2 (BRCA2 DNA repair associated; plus strand). Cytogenetic location: 13q13.1.
Variant type: Deletion.
Coding change: c.3744_3747del on transcript NM_000059.4 (MANE Select); coding-DNA positions 3744 to 3747, 4 bases deleted (TGAG; older notation c.3744_3747delTGAG).
Protein change: p.Ser1248fs; shifts the reading frame from serine 1248.
Molecular consequence: frameshift variant.
Genome position (GRCh38, 1-based): chr13:32,338,099-32,338,102, TGAG deleted; deleting any 4 consecutive bases within chr13:32,338,097-32,338,102 gives the same sequence; the c. name uses the placement nearest the transcript's 3' end. VCF-style (leftmost placement, unchanged base first): chr13-32338096-TAGTG-T. GRCh37 (hg19) VCF-style: chr13-32912233-TAGTG-T.
Other names: 3972_3975delTGAG; 3972del4; c.3744_3747delTGAG (NM_000059.3).
Identifiers: ClinVar variation 37856 (VCV000037856.88), dbSNP rs80359403, ClinGen allele CA018693.